The following is an entry in ClinVar:

ClinVar aggregate classification (germline): Likely benign (1 of 4 stars; one submission).

Submission:

CeGaT Center for Human Genetics Tuebingen
Classification: Likely benign. Last evaluated: 2025-12-01. Review status: criteria provided, single submitter. Criteria: CeGaT Center For Human Genetics Tuebingen Variant Classification Criteria Version 2. Collection method: clinical testing. Allele origin: germline. Affected: yes. Observed: 2 variant alleles.
Comment: KMT2C: PM2:Supporting, BP4, BP7

NM_170606.3(KMT2C):c.1131A>C (p.Pro377=)

Genes: KMT2C (lysine methyltransferase 2C; minus strand), LOC123956272 (Sharpr-MPRA regulatory region 15588; plus strand). Cytogenetic location: 7q36.1.
Variant type: single nucleotide variant.
Coding change: c.1131A>C on transcript NM_170606.3 (MANE Select); coding-DNA position 1131, A replaced by C.
Protein change: p.Pro377=; no amino-acid change (proline 377 retained).
Molecular consequence: synonymous variant.
Genome position (GRCh38, 1-based): chr7:152,265,091, T>G on the plus strand (A>C on the coding strand, the complement: KMT2C is on the minus strand). VCF-style: chr7-152265091-T-G. GRCh37 (hg19) VCF-style: chr7-151962176-T-G.
Identifiers: ClinVar variation 2658241 (VCV002658241.24), dbSNP rs62478356, ClinGen allele CA458695924.